The following is an entry in ClinVar:

NM_000186.4(CFH):c.831C>G (p.Tyr277Ter)

Gene: CFH (complement factor H; plus strand). Cytogenetic location: 1q31.3.
Variant type: single nucleotide variant.
Coding change: c.831C>G on transcript NM_000186.4 (MANE Select); coding-DNA position 831, C replaced by G.
Protein change: p.Tyr277Ter; replaces tyrosine 277 with a stop codon.
Molecular consequence: nonsense.
Genome position (GRCh38, 1-based): chr1:196,685,104, C>G. VCF-style: chr1-196685104-C-G. GRCh37 (hg19) VCF-style: chr1-196654234-C-G.
Other names: c.831C>G, p.Tyr277Ter (NM_001014975.3); short protein forms Y277*.
Identifiers: ClinVar variation 4976844 (VCV004976844.1).

ClinVar aggregate classification (germline): Pathogenic (1 of 4 stars; one submission).

Conditions:
Age related macular degeneration 4. Identifiers: MedGen C1853147, MONDO:0012540, OMIM 610698.

Submission:

Genomenon, Inc
Classification: Pathogenic for Age related macular degeneration 4. Last evaluated: 2026-09-17. Review status: criteria provided, single submitter. Criteria: Genomenon Sequence Variant Interpretation Standards - Updated. Collection method: curation. Allele origin: germline. Affected: yes.
Comment: CFH p.Tyr277Ter (c.831C>G) is a nonsense variant that introduces a premature stop codon at amino acid position 277 and is predicted to result in a truncated or absent protein product. This variant has been observed in at least one proband affected with age-related macular degeneration (PMID: 26501415). It is absent or not present at a significant frequency in gnomAD. In conclusion, we classify CFH p.Tyr277Ter (c.831C>G) as a pathogenic variant.

Literature cited by the submitters: PubMed 26501415.